The following is an entry in ClinVar:

NM_001184.4(ATR):c.4874A>G (p.Asp1625Gly)

Gene: ATR (ATR checkpoint kinase; minus strand). Cytogenetic location: 3q23.
Variant type: single nucleotide variant.
Coding change: c.4874A>G on transcript NM_001184.4 (MANE Select); coding-DNA position 4874, A replaced by G.
Protein change: p.Asp1625Gly; replaces aspartic acid 1625 with glycine.
Molecular consequence: missense variant.
Genome position (GRCh38, 1-based): chr3:142,508,088, T>C on the plus strand (A>G on the coding strand, the complement: ATR is on the minus strand). VCF-style: chr3-142508088-T-C. GRCh37 (hg19) VCF-style: chr3-142226930-T-C.
Other names: c.4682A>G, p.Asp1561Gly (NM_001354579.2); c.4874A>G (NM_001184.3); short protein forms D1625G, D1561G.
Identifiers: ClinVar variation 1418177 (VCV001418177.9), dbSNP rs2108361450, ClinGen allele CA354820963.

ClinVar aggregate classification (germline): Uncertain significance. Review status: criteria provided, multiple submitters, no conflicts (2 of 4 stars). 2 submissions from 2 submitters: Uncertain significance (2). Last evaluated 2025-07-14.

Conditions:
Inborn genetic diseases. Identifiers: MedGen C0950123, MeSH D030342.

Allele frequency attached by ClinVar (database versions not stated): gnomAD exomes 0.00001.
gnomAD v4.1: 14 of 1,612,552 alleles (0.00087%); highest among the groups gnomAD compares: Non-Finnish European, 0.0011%; no homozygotes.

Submissions (2):

Labcorp Genetics (formerly Invitae), Labcorp
Classification: Uncertain significance. Last evaluated: 2025-07-14. Review status: criteria provided, single submitter. Criteria: Invitae Variant Classification Sherloc (09022015). Collection method: clinical testing. Allele origin: germline.
Comment: This sequence change replaces aspartic acid, which is acidic and polar, with glycine, which is neutral and non-polar, at codon 1625 of the ATR protein (p.Asp1625Gly). This variant is not present in population databases (gnomAD no frequency). This variant has not been reported in the literature in individuals affected with ATR-related conditions. ClinVar contains an entry for this variant (Variation ID: 1418177). An algorithm developed to predict the effect of missense changes on protein structure and function (PolyPhen-2) suggests that this variant is likely to be tolerated. In summary, the available evidence is currently insufficient to determine the role of this variant in disease. Therefore, it has been classified as a Variant of Uncertain Significance.

Ambry Genetics
Classification: Uncertain significance for Inborn genetic diseases. Last evaluated: 2022-11-07. Review status: criteria provided, single submitter. Criteria: Ambry Variant Classification Scheme 2023. Collection method: clinical testing. Allele origin: germline.
Comment: The p.D1625G variant (also known as c.4874A>G), located in coding exon 28 of the ATR gene, results from an A to G substitution at nucleotide position 4874. The aspartic acid at codon 1625 is replaced by glycine, an amino acid with similar properties. This amino acid position is conserved. In addition, this alteration is predicted to be tolerated by in silico analysis. Since supporting evidence is limited at this time, the clinical significance of this alteration remains unclear.